The following is an entry in ClinVar:

NM_213599.3(ANO5):c.2488G>A (p.Ala830Thr)

Gene: ANO5 (anoctamin 5; plus strand). Cytogenetic location: 11p14.3.
Variant type: single nucleotide variant.
Coding change: c.2488G>A on transcript NM_213599.3 (MANE Select); coding-DNA position 2488, G replaced by A.
Protein change: p.Ala830Thr; replaces alanine 830 with threonine.
Molecular consequence: missense variant.
Genome position (GRCh38, 1-based): chr11:22,276,167, G>A. VCF-style: chr11-22276167-G-A. GRCh37 (hg19) VCF-style: chr11-22297713-G-A.
Other names: c.2485G>A, p.Ala829Thr (NM_001142649.2); c.2446G>A, p.Ala816Thr (NM_001410963.1); c.2443G>A, p.Ala815Thr (NM_001410964.1); short protein forms A830T, A815T, A816T, A829T.
Identifiers: ClinVar variation 1998271 (VCV001998271.4), dbSNP rs2494393964, ClinGen allele CA379924662.
Genomic context (GRCh38, chr11:22,276,167, plus strand): 5'-AGATATCCTCCTGATGACGAGAATAAATATTTTCATAATATGCAATTCTGGCATGTCCTT[G>A]CTGCCAAGATGACCTTCATCATTGTTATGGAAGTAAGCTGTTCTTAACTTTCATTCGAGT-3'
Protein context (NP_998764.1, residues 820-840): FHNMQFWHVL[Ala830Thr]AKMTFIIVME

ClinVar aggregate classification (germline): Uncertain significance (1 of 4 stars; one submission).

Conditions:
Gnathodiaphyseal dysplasia (GDD). Also called: GNATHODIAPHYSEAL SCLEROSIS; OSTEOGENESIS IMPERFECTA WITH UNUSUAL SKELETAL LESIONS. Identifiers: Orphanet 53697, MedGen C1833736, MONDO:0008151, OMIM 166260.
Autosomal recessive limb-girdle muscular dystrophy type 2L (LGMDR12). Also called: MUSCULAR DYSTROPHY, LIMB-GIRDLE, AUTOSOMAL RECESSIVE 12; Limb-girdle muscular dystrophy, type 2L; Limb-Girdle Muscular Dystrophy R12 Anoctamin-5-Related (LGMD-R12). Identifiers: Orphanet 206549, MedGen C1969785, MONDO:0012652, OMIM 611307.

Submission:

Labcorp Genetics (formerly Invitae), Labcorp
Classification: Uncertain significance for Autosomal recessive limb-girdle muscular dystrophy type 2L; Gnathodiaphyseal dysplasia. Last evaluated: 2022-03-08. Review status: criteria provided, single submitter. Criteria: Invitae Variant Classification Sherloc (09022015). Collection method: clinical testing. Allele origin: germline.
Comment: This variant has not been reported in the literature in individuals affected with ANO5-related conditions. This variant is not present in population databases (gnomAD no frequency). This sequence change replaces alanine, which is neutral and non-polar, with threonine, which is neutral and polar, at codon 830 of the ANO5 protein (p.Ala830Thr). Advanced modeling of protein sequence and biophysical properties (such as structural, functional, and spatial information, amino acid conservation, physicochemical variation, residue mobility, and thermodynamic stability) performed at Invitae indicates that this missense variant is expected to disrupt ANO5 protein function. In summary, the available evidence is currently insufficient to determine the role of this variant in disease. Therefore, it has been classified as a Variant of Uncertain Significance.